The following is an entry in ClinVar:

NM_000535.7(PMS2):c.167T>C (p.Leu56Pro)

Gene: PMS2 (PMS1 homolog 2, mismatch repair system component; minus strand). Cytogenetic location: 7p22.1.
Variant type: single nucleotide variant.
Coding change: c.167T>C on transcript NM_000535.7 (MANE Select); coding-DNA position 167, T replaced by C.
Protein change: p.Leu56Pro; replaces leucine 56 with proline.
Molecular consequence: missense variant. On other transcripts: 5 prime UTR variant (11), non-coding transcript variant (1).
Genome position (GRCh38, 1-based): chr7:6,004,055, A>G on the plus strand (T>C on the coding strand, the complement: PMS2 is on the minus strand). VCF-style: chr7-6004055-A-G. GRCh37 (hg19) VCF-style: chr7-6043686-A-G.
Other names: c.-318T>C (NM_001406878.1, NM_001406879.1, NM_001406882.1 and 3 more transcripts); c.-265T>C (NM_001406880.1); c.-215T>C (NM_001406881.1, NM_001406900.1); c.-49T>C (NM_001406883.1, NM_001406876.1, NM_001406901.1 and 4 more transcripts); c.-239T>C (NM_001322009.2, NM_001322010.2, NM_001322013.2 and 14 more transcripts); c.-718T>C (NM_001322011.2, NM_001322012.2); c.167T>C, p.Leu56Pro (NM_001322014.2, NM_001406868.1, NM_001406869.1 and 10 more transcripts); c.353T>C, p.Leu118Pro (NM_001406866.1); and 2 more; short protein forms L118P, L56P.
Identifiers: ClinVar variation 1777887 (VCV001777887.3), dbSNP rs2128830784, ClinGen allele CA366744929.

ClinVar aggregate classification (germline): Conflicting classifications of pathogenicity. Review status: criteria provided, conflicting classifications (1 of 4 stars). 2 submissions from 2 submitters: Likely pathogenic (1); Uncertain significance (1). Last evaluated 2025-03-27.

Conditions:
Hereditary cancer-predisposing syndrome. Also called: Neoplastic Syndromes, Hereditary; Tumor predisposition; Hereditary Cancer Syndrome; Hereditary neoplastic syndrome. Identifiers: Orphanet 140162, MedGen C0027672, MeSH D009386, MONDO:0015356.
Lynch syndrome 4 (LYNCH4). Also called: Colorectal cancer, hereditary nonpolyposis, type 4; Hereditary non-polyposis colorectal cancer, type 4. Identifiers: Orphanet 144, MedGen C1838333, MONDO:0013699, OMIM 614337. Disease mechanism: loss of function.

Submissions (2):

Myriad Genetics, Inc.
Classification: Likely pathogenic for Lynch syndrome 4. Last evaluated: 2025-03-27. Review status: criteria provided, single submitter. Criteria: Myriad Autosomal Dominant, Autosomal Recessive and X-Linked Classification Criteria (2023). Collection method: clinical testing. Allele origin: unknown.
Comment: This variant is considered likely pathogenic. Functional studies indicate this variant impacts protein function [PMID: 35451539]. This variant is expected to disrupt protein structure [Myriad internal data].

Ambry Genetics
Classification: Uncertain significance for Hereditary cancer-predisposing syndrome. Last evaluated: 2020-09-23. Review status: criteria provided, single submitter. Criteria: Ambry Variant Classification Scheme 2023. Collection method: clinical testing. Allele origin: germline.
Comment: The p.L56P variant (also known as c.167T>C), located in coding exon 3 of the PMS2 gene, results from a T to C substitution at nucleotide position 167. The leucine at codon 56 is replaced by proline, an amino acid with similar properties. This amino acid position is not well conserved in available vertebrate species. In addition, this alteration is predicted to be deleterious by in silico analysis. Since supporting evidence is limited at this time, the clinical significance of this alteration remains unclear.

Literature cited by the submitters: PubMed 35451539 (cited by Myriad Genetics, Inc.).